The following is an entry in ClinVar:

ClinVar aggregate classification (germline): Benign. Review status: criteria provided, multiple submitters, no conflicts (2 of 4 stars). 3 submissions from 3 submitters: Benign (3). Last evaluated 2026-02-03.

Conditions:
Primary familial hypertrophic cardiomyopathy (HCM). Identifiers: Orphanet 99739, MedGen C0949658, MeSH D024741, MONDO:0024573. Inheritance: Various modes of inheritance.
Dilated cardiomyopathy 1AA (CMD1AA). Also called: CARDIOMYOPATHY, DILATED, 1AA, WITH OR WITHOUT LEFT VENTRICULAR NONCOMPACTION; CARDIOMYOPATHY, FAMILIAL HYPERTROPHIC, 23, WITH OR WITHOUT LEFT VENTRICULAR NONCOMPACTION; Cardiomyopathy, dilated, 1AA, with or without LVNC. Identifiers: Orphanet 154, MedGen C2677338, MONDO:0012808, OMIM 612158.

Allele frequency attached by ClinVar (database versions not stated): gnomAD exomes 0.00062 and 0.00161; ExAC 0.00209; gnomAD 0.00666; 1000 Genomes Project 0.00739; ESP Exome Variant Server 0.00777; TOPMed 0.00785; 1000 Genomes Project 30x 0.00874.

Submissions (3):

Labcorp Genetics (formerly Invitae), Labcorp
Classification: Benign for Primary familial hypertrophic cardiomyopathy; Dilated cardiomyopathy 1AA. Last evaluated: 2026-02-03. Review status: criteria provided, single submitter. Criteria: Invitae Variant Classification Sherloc (09022015). Collection method: clinical testing. Allele origin: germline.

GeneDx
Classification: Benign. Last evaluated: 2014-03-13. Review status: criteria provided, single submitter. Criteria: GeneDx Variant Classification (06012015). Collection method: clinical testing. Allele origin: germline. Affected: yes.
Comment: This variant is considered likely benign or benign based on one or more of the following criteria: it is a conservative change, it occurs at a poorly conserved position in the protein, it is predicted to be benign by multiple in silico algorithms, and/or has population frequency not consistent with disease.

Laboratory for Molecular Medicine, Mass General Brigham Personalized Medicine
Classification: Benign. Last evaluated: 2009-06-02. Review status: criteria provided, single submitter. Criteria: LMM Criteria. Collection method: clinical testing. Allele origin: germline. Observed: 7 variant alleles.

NM_001103.4(ACTN2):c.351= (p.Ile117=)

Gene: ACTN2 (actinin alpha 2; plus strand). Cytogenetic location: 1q43.
Variant type: single nucleotide variant.
Coding change: c.351= on transcript NM_001103.4 (MANE Select); coding-DNA position 351, no change from the reference sequence.
Protein change: p.Ile117=; no amino-acid change (isoleucine 117 retained).
Molecular consequence: no sequence alteration.
Genome position: GRCh38 VCF-style: chr1-236719003-T-T. GRCh37 (hg19) VCF-style: chr1-236882303-T-T.
Other names: p.I117I:ATC>ATT; c.351=, p.Ile117= (NM_001278343.2); c.-471= (NM_001278344.2).
Identifiers: ClinVar variation 136282 (VCV000136282.17), dbSNP rs1341864.
Genomic context (GRCh38, chr1:236,719,003, plus strand): 5'-TGCTAATGTCAACAAAGCTTTGGATTACATAGCCAGCAAAGGGGTGAAACTGGTGTCCAT[T=]GGCGCTGAAGGTGAGAGGTGTGGTGGGTGGTCCTGTCTGCCACACTGACCTAATAGCGTA-3'
Protein context (NP_001094.1, residues 107-127): IASKGVKLVS[Ile117=]GAEEIVDGNV